The following is an entry in ClinVar:

NC_012920.1(MT-CYB):m.15452C>A

Gene: MT-CYB (mitochondrially encoded cytochrome b; plus strand).
Variant type: single nucleotide variant.
Genome position: chrM-15452-C-A.
Identifiers: ClinVar variation 143925 (VCV000143925.4), dbSNP rs193302994, ClinGen allele CA345759.

ClinVar aggregate classification (germline): Benign. Review status: criteria provided, multiple submitters, no conflicts (2 of 4 stars). 3 submissions from 3 submitters: Benign (2). 1 of the submissions does not count toward it. Last evaluated 2025-02-16.

Conditions:
Ovarian neoplasm. Also called: Ovarian Neoplasms; Neoplasm of ovary; Ovarian tumor. Identifiers: MedGen C0919267, MeSH D010051, MONDO:0021068, HP:0100615.
Leigh syndrome (NULS). Also called: Leigh's syndrome; Leigh Syndrome (mtDNA deletion); Leigh Disease; Subacute necrotizing encephalopathy; Necrotizing encephalopathy infantile subacute of Leigh; LEIGH SYNDROME, NUCLEAR. Identifiers: Orphanet 506, MedGen C2931891, MONDO:0009723, OMIM 256000.

Submissions (3):

Laboratory of Genetics, Children's Clinical University Hospital Latvia
Classification: Benign. Last evaluated: 2025-02-16. Review status: criteria provided, single submitter. Criteria: ACMG Guidelines, 2015. Collection method: clinical testing. Allele origin: germline. Affected: yes.

Wong Mito Lab, Molecular and Human Genetics, Baylor College of Medicine
Classification: Benign for Leigh syndrome. Last evaluated: 2019-10-17. Review status: criteria provided, single submitter. Criteria: Modified ACMG Guidelines (Unpublished). Collection method: clinical testing. Allele origin: germline.
Comment: The NC_012920.1:m.15452C>A (YP_003024038.1:p.Leu236Ile) variant in MTCYB gene is interpretated to be a Benign variant based on the modified ACMG guidelines (unpublished). This variant meets the following evidence codes: BA1

Department of Zoology Govt. MVM College
Classification: Likely pathogenic for Neoplasm of ovary. Review status: no assertion criteria provided. Collection method: not provided. Allele origin: unknown. Not counted in ClinVar's aggregate classification.
Comment: KM272011;KM276951
ClinVar note: Converted during submission from probable-pathogenic to Likely pathogenic.